The following is an entry in ClinVar:

ClinVar aggregate classification (germline): Uncertain significance (1 of 4 stars; one submission).

gnomAD v4.1: 99 of 1,611,416 alleles (0.0061%); highest among the groups gnomAD compares: Non-Finnish European, 0.008%; no homozygotes.

Submission:

CeGaT Center for Human Genetics Tuebingen
Classification: Uncertain significance. Last evaluated: 2026-08-01. Review status: criteria provided, single submitter. Criteria: CeGaT Center For Human Genetics Tuebingen Variant Classification Criteria Version 2. Collection method: clinical testing. Allele origin: germline. Affected: yes. Observed: 2 variant alleles.
Comment: PI4KA: PM2:Supporting, BP4

NM_058004.4(PI4KA):c.4215C>T (p.Ser1405=)

Gene: PI4KA (phosphatidylinositol 4-kinase alpha; minus strand). Cytogenetic location: 22q11.21.
Variant type: single nucleotide variant.
Coding change: c.4215C>T on transcript NM_058004.4 (MANE Select); coding-DNA position 4215, C replaced by T.
Protein change: p.Ser1405=; no amino-acid change (serine 1405 retained).
Molecular consequence: synonymous variant.
Genome position (GRCh38, 1-based): chr22:20,733,044, G>A on the plus strand (C>T on the coding strand, the complement: PI4KA is on the minus strand). VCF-style: chr22-20733044-G-A. GRCh37 (hg19) VCF-style: chr22-21087332-G-A.
Other names: c.4122C>T, p.Ser1374= (NM_001362862.2); c.4149C>T, p.Ser1383= (NM_001362863.2).
Identifiers: ClinVar variation 3905525 (VCV003905525.10).